The following is an entry in ClinVar:

NM_001734.5(C1S):c.1574A>G (p.Asn525Ser)

Gene: C1S (complement C1s; plus strand). Cytogenetic location: 12p13.31.
Variant type: single nucleotide variant.
Coding change: c.1574A>G on transcript NM_001734.5 (MANE Select); coding-DNA position 1574, A replaced by G.
Protein change: p.Asn525Ser; replaces asparagine 525 with serine.
Molecular consequence: missense variant.
Genome position (GRCh38, 1-based): chr12:7,070,158, A>G. VCF-style: chr12-7070158-A-G. GRCh37 (hg19) VCF-style: chr12-7177462-A-G.
Other names: c.1073A>G, p.Asn358Ser (NM_001346850.2); c.1574A>G, p.Asn525Ser (NM_201442.4); short protein forms N358S, N525S.
Identifiers: ClinVar variation 2994297 (VCV002994297.3), dbSNP rs143728135, ClinGen allele CA6423810.

ClinVar aggregate classification (germline): Uncertain significance (1 of 4 stars; one submission).

Allele frequency attached by ClinVar (database versions not stated): ExAC 0.00001; TOPMed 0.00003; gnomAD 0.00002; gnomAD exomes 0.00003; ESP Exome Variant Server 0.00008.

Submission:

Labcorp Genetics (formerly Invitae), Labcorp
Classification: Uncertain significance. Last evaluated: 2025-09-10. Review status: criteria provided, single submitter. Criteria: Invitae Variant Classification Sherloc (09022015). Collection method: clinical testing. Allele origin: germline.
Comment: This sequence change replaces asparagine, which is neutral and polar, with serine, which is neutral and polar, at codon 525 of the C1S protein (p.Asn525Ser). This variant is present in population databases (rs143728135, gnomAD 0.007%). This missense change has been observed in individual(s) with clinical features of C1S-related conditions (PMID: 38374194). ClinVar contains an entry for this variant (Variation ID: 2994297). Invitae Evidence Modeling of protein sequence and biophysical properties (such as structural, functional, and spatial information, amino acid conservation, physicochemical variation, residue mobility, and thermodynamic stability) indicates that this missense variant is not expected to disrupt C1S protein function with a negative predictive value of 80%. In summary, the available evidence is currently insufficient to determine the role of this variant in disease. Therefore, it has been classified as a Variant of Uncertain Significance.

Literature cited by the submitters: PubMed 38374194.